The following is an entry in ClinVar:

ClinVar aggregate classification (germline): Uncertain significance. Review status: criteria provided, multiple submitters, no conflicts (2 of 4 stars). 6 submissions from 6 submitters: Uncertain significance (5). 1 of the submissions does not count toward it. Last evaluated 2025-12-04.

Conditions:
Zellweger spectrum disorders (ZS). Also called: Zellweger Spectrum Disorder; Zellweger Spectrum; Zellweger syndrome; Zellweger Spectrum Disorder (ZSD). Identifiers: Orphanet 912, MedGen C0043459, MONDO:0019609.
Inborn genetic diseases. Identifiers: MedGen C0950123, MeSH D030342.
Peroxisome biogenesis disorder. Identifiers: Orphanet 79189, MedGen C1832200, MONDO:0019234. Disease mechanism: loss of function.
PEX6-related disorder. Also called: PEX6-related disorders; PEX6-related condition.

Allele frequency attached by ClinVar (database versions not stated): ExAC 0.00002; gnomAD exomes 0.00002; TOPMed 0.00002; gnomAD 0.00004.

Submissions (6):

Ambry Genetics
Classification: Uncertain significance for Inborn genetic diseases. Last evaluated: 2025-12-04. Review status: criteria provided, single submitter. Criteria: Ambry Variant Classification Scheme 2023. Collection method: clinical testing. Allele origin: germline.

PreventionGenetics, part of Exact Sciences
Classification: Uncertain significance for PEX6-related condition. Last evaluated: 2025-02-05. Review status: criteria provided, single submitter. Criteria: ACMG Guidelines, 2015. Collection method: clinical testing. Allele origin: germline.
Comment: The PEX6 c.2357G>A variant is predicted to result in the amino acid substitution p.Arg786Gln. To our knowledge, this variant has not been reported in the literature. This variant is reported in 0.0046% of alleles in individuals of European (Non-Finnish) descent in gnomAD. An alternate missense change at this residue (p.Arg786Trp) has been reported in at least two individuals with Zellweger syndrome (Ebberink et al. 2010. PubMed ID: 19877282; Tran et al. 2014. PubMed ID: 25079577) and one individual with Perrault syndrome (Tucker et al. 2020. PubMed ID: 32399598). At this time, the clinical significance of this variant is uncertain due to the absence of conclusive functional and genetic evidence.

Blueprint Genetics
Classification: Uncertain significance. Last evaluated: 2024-09-04. Review status: criteria provided, single submitter. Criteria: ACMG Guidelines, 2015. Collection method: clinical testing. Allele origin: germline.

Labcorp Genetics (formerly Invitae), Labcorp
Classification: Uncertain significance for Peroxisome biogenesis disorder. Last evaluated: 2024-08-06. Review status: criteria provided, single submitter. Criteria: Invitae Variant Classification Sherloc (09022015). Collection method: clinical testing. Allele origin: germline.
Comment: This sequence change replaces arginine, which is basic and polar, with glutamine, which is neutral and polar, at codon 786 of the PEX6 protein (p.Arg786Gln). This variant is present in population databases (rs758572546, gnomAD 0.004%). This variant has not been reported in the literature in individuals affected with PEX6-related conditions. ClinVar contains an entry for this variant (Variation ID: 1059567). Advanced modeling of protein sequence and biophysical properties (such as structural, functional, and spatial information, amino acid conservation, physicochemical variation, residue mobility, and thermodynamic stability) performed at Invitae indicates that this missense variant is expected to disrupt PEX6 protein function with a positive predictive value of 95%. In summary, the available evidence is currently insufficient to determine the role of this variant in disease. Therefore, it has been classified as a Variant of Uncertain Significance.

GeneDx
Classification: Uncertain significance. Last evaluated: 2019-08-12. Review status: criteria provided, single submitter. Criteria: GeneDx Variant Classification Process June 2021. Collection method: clinical testing. Allele origin: germline. Affected: yes.
Comment: Not observed at a significant frequency in large population cohorts (Lek et al., 2016); In silico analysis, which includes protein predictors and evolutionary conservation, supports a deleterious effect; Has not been previously published as pathogenic or benign to our knowledge

Natera, Inc.
Classification: Uncertain significance for Zellweger syndrome. Last evaluated: 2020-03-24. Review status: no assertion criteria provided. Collection method: clinical testing. Allele origin: germline. Not counted in ClinVar's aggregate classification.

NM_000287.4(PEX6):c.2357G>A (p.Arg786Gln)

Gene: PEX6 (peroxisomal biogenesis factor 6; minus strand). Cytogenetic location: 6p21.1.
Variant type: single nucleotide variant.
Coding change: c.2357G>A on transcript NM_000287.4 (MANE Select); coding-DNA position 2357, G replaced by A.
Protein change: p.Arg786Gln; replaces arginine 786 with glutamine.
Molecular consequence: missense variant.
Genome position (GRCh38, 1-based): chr6:42,966,049, C>T on the plus strand (G>A on the coding strand, the complement: PEX6 is on the minus strand). VCF-style: chr6-42966049-C-T. GRCh37 (hg19) VCF-style: chr6-42933787-C-T.
Other names: c.2093G>A, p.Arg698Gln (NM_001316313.2); short protein forms R698Q, R786Q.
Identifiers: ClinVar variation 1059567 (VCV001059567.10), dbSNP rs758572546, ClinGen allele CA3811061.
Genomic context (GRCh38, chr6:42,966,049, plus strand): 5'-GGGGCCATCGGGGTTTGGGAAGCATGGGACGCCCTGCCCCTCCCTGCTCACTCACCTTCC[C>T]GCACATTCTCCTCACTTTGGCCCACATACATGTTAATGAGCTCTGGCCCCTTCACGCTGA-3'
Protein context (NP_000278.3, residues 776-796): MYVGQSEENV[Arg786Gln]EVFARARAAA